The following is an entry in ClinVar:

NM_004301.5(ACTL6A):c.139A>G (p.Arg47Gly)

Gene: ACTL6A (actin like 6A; plus strand). Cytogenetic location: 3q26.33.
Variant type: single nucleotide variant.
Coding change: c.139A>G on transcript NM_004301.5 (MANE Select); coding-DNA position 139, A replaced by G.
Protein change: p.Arg47Gly; replaces arginine 47 with glycine.
Molecular consequence: missense variant.
Genome position (GRCh38, 1-based): chr3:179,570,103, A>G. VCF-style: chr3-179570103-A-G. GRCh37 (hg19) VCF-style: chr3-179287891-A-G.
Other names: c.13A>G, p.Arg5Gly (NM_177989.4, NM_178042.4); short protein forms R47G, R5G.
Identifiers: ClinVar variation 1698171 (VCV001698171.2), dbSNP rs1283031730, ClinGen allele CA355265945.

ClinVar aggregate classification (germline): Uncertain significance (1 of 4 stars; one submission).

Allele frequency attached by ClinVar (database versions not stated): gnomAD 0.00001; gnomAD exomes 0.00001.
gnomAD v4.1: 10 of 1,614,060 alleles (0.00062%); highest among the groups gnomAD compares: Non-Finnish European, 0.00085%; no homozygotes.

Submission:

GeneDx
Classification: Uncertain significance. Last evaluated: 2022-01-21. Review status: criteria provided, single submitter. Criteria: GeneDx Variant Classification Process June 2021. Collection method: clinical testing. Allele origin: germline. Affected: yes.
Comment: Not observed at significant frequency in large population cohorts (gnomAD); In silico analysis supports that this missense variant does not alter protein structure/function; Has not been previously published as pathogenic or benign to our knowledge